The following is an entry in ClinVar:

ClinVar aggregate classification (germline): Uncertain significance (1 of 4 stars; one submission).

Conditions:
Mowat-Wilson syndrome (MOWS). Also called: Classic Mowat-Wilson Syndrome. Identifiers: Orphanet 2152, MedGen C1856113, MONDO:0009341, OMIM 235730.

Submission:

Victorian Clinical Genetics Services, Murdoch Childrens Research Institute
Classification: Uncertain significance for Mowat-Wilson syndrome. Last evaluated: 2025-07-15. Review status: criteria provided, single submitter. Criteria: ACMG Guidelines, 2015. Collection method: clinical testing. Allele origin: germline. Affected: yes.
Comment: This variant is classified as VUS-3A. Evidence in support of pathogenic classification: Variant is absent from gnomAD (v2, v3 and v4); Missense variant in a region that is highly intolerant to missense variation (high constraint region in DECIPHER, gnomAD). Additional information: Variant is predicted to result in a missense amino acid change from glycine to aspartic acid; This variant is heterozygous; This gene is associated with autosomal dominant disease; This variant has no previous evidence of pathogenicity; No published segregation evidence has been identified for this variant; No published functional evidence has been identified for this variant; Another missense variant(s) comparable to the one identified in this case has inconclusive previous evidence for pathogenicity. p.(Gly323Val) has been classified as a VUS by a clinical laboratory in ClinVar; Missense variant with inconclusive in silico prediction and high conservation; Loss of function is a known mechanism of disease in this gene and is associated with Mowat-Wilson syndrome (MIM#235730); Variants in this gene are known to have variable expressivity (PMID: 29300384); Inheritance information for this variant is not currently available in this individual.

Literature cited by the submitters: PubMed 29300384.

NM_014795.4(ZEB2):c.968G>A (p.Gly323Asp)

Gene: ZEB2 (zinc finger E-box binding homeobox 2; minus strand). Cytogenetic location: 2q22.3.
Variant type: single nucleotide variant.
Coding change: c.968G>A on transcript NM_014795.4 (MANE Select); coding-DNA position 968, G replaced by A.
Protein change: p.Gly323Asp; replaces glycine 323 with aspartic acid.
Molecular consequence: missense variant.
Genome position (GRCh38, 1-based): chr2:144,400,219, C>T on the plus strand (G>A on the coding strand, the complement: ZEB2 is on the minus strand). VCF-style: chr2-144400219-C-T. GRCh37 (hg19) VCF-style: chr2-145157786-C-T.
Other names: c.896G>A, p.Gly299Asp (NM_001171653.2); short protein forms G299D, G323D.
Identifiers: ClinVar variation 4531770 (VCV004531770.1).